The following is an entry in ClinVar:

NM_020365.5(EIF2B3):c.130G>A (p.Glu44Lys)

Gene: EIF2B3 (eukaryotic translation initiation factor 2B subunit gamma; minus strand). Cytogenetic location: 1p34.1.
Variant type: single nucleotide variant.
Coding change: c.130G>A on transcript NM_020365.5 (MANE Select); coding-DNA position 130, G replaced by A.
Protein change: p.Glu44Lys; replaces glutamic acid 44 with lysine.
Molecular consequence: missense variant.
Genome position (GRCh38, 1-based): chr1:44,981,039, C>T on the plus strand (G>A on the coding strand, the complement: EIF2B3 is on the minus strand). VCF-style: chr1-44981039-C-T. GRCh37 (hg19) VCF-style: chr1-45446711-C-T.
Other names: c.130G>A, p.Glu44Lys (NM_001166588.3, NM_001261418.2); short protein forms E44K.
Identifiers: ClinVar variation 297449 (VCV000297449.13), dbSNP rs201162647, ClinGen allele CA824106.

ClinVar aggregate classification (germline): Uncertain significance. Review status: criteria provided, multiple submitters, no conflicts (2 of 4 stars). 3 submissions from 3 submitters: Uncertain significance (3). Last evaluated 2025-02-11.

Conditions:
Vanishing white matter disease. Also called: CACH syndrome; Childhood ataxia with diffuse central nervous system hypomyelination; Leukoencephalopathy with vanishing white matter; CACH/VWM syndrome; Cree leukoencehalopathy. Identifiers: Orphanet 135, Orphanet 99853, MedGen C1858991, MONDO:0800448.

Allele frequency attached by ClinVar (database versions not stated): gnomAD exomes below 0.00001 and 0.00001; ExAC 0.00001; TOPMed 0.00003; 1000 Genomes Project 30x 0.00016; 1000 Genomes Project 0.00020.

Submissions (3):

Labcorp Genetics (formerly Invitae), Labcorp
Classification: Uncertain significance. Last evaluated: 2025-02-11. Review status: criteria provided, single submitter. Criteria: Invitae Variant Classification Sherloc (09022015). Collection method: clinical testing. Allele origin: germline.
Comment: This sequence change replaces glutamic acid, which is acidic and polar, with lysine, which is basic and polar, at codon 44 of the EIF2B3 protein (p.Glu44Lys). This variant is present in population databases (rs201162647, gnomAD 0.01%). This missense change has been observed in individuals with leukoencephalopathy with vanishing white matter and/or primary ovarian failure (PMID: 33109206, 34755279, 36380532). ClinVar contains an entry for this variant (Variation ID: 297449). Invitae Evidence Modeling of protein sequence and biophysical properties (such as structural, functional, and spatial information, amino acid conservation, physicochemical variation, residue mobility, and thermodynamic stability) indicates that this missense variant is not expected to disrupt EIF2B3 protein function with a negative predictive value of 80%. In summary, the available evidence is currently insufficient to determine the role of this variant in disease. Therefore, it has been classified as a Variant of Uncertain Significance.

Women's Health and Genetics/Laboratory Corporation of America, LabCorp
Classification: Uncertain significance. Last evaluated: 2024-03-18. Review status: criteria provided, single submitter. Criteria: LabCorp Variant Classification Summary - May 2015. Collection method: clinical testing. Allele origin: germline.
Comment: Variant summary: EIF2B3 c.130G>A (p.Glu44Lys) results in a conservative amino acid change located in the Nucleotidyl transferase domain (IPR005835) of the encoded protein sequence. Three of five in-silico tools predict a benign effect of the variant on protein function. The variant allele was found at a frequency of 8e-06 in 251480 control chromosomes (gnomAD). The available data on variant occurrences in the general population are insufficient to allow any conclusion about variant significance. c.130G>A has been reported in the literature in the compound heterozygous state in individuals affected with Leukoencephalopathy With Vanishing White Matter (e.g. Xu_2022, Dong_2023), as well as in an unaffected sibling of one proband. Since the penetrance of Leukoencephalopathy With Vanishing White Matter (0.67) due to this variant appears to be lower than expected (0.8), no conclusions can be drawn from these data. To our knowledge, no experimental evidence demonstrating an impact on protein function has been reported. The following publications have been ascertained in the context of this evaluation (PMID: 34755279, 36380532, 37981684). ClinVar contains an entry for this variant (Variation ID: 297449). Based on the evidence outlined above, the variant was classified as uncertain significance.

Illumina Laboratory Services, Illumina
Classification: Uncertain significance for Leukoencephalopathy with vanishing white matter 1. Last evaluated: 2018-01-13. Review status: criteria provided, single submitter. Criteria: ICSL Variant Classification Criteria 13 December 2019. Collection method: clinical testing. Allele origin: germline.

Literature cited by the submitters: PubMed 33109206 (cited by Labcorp Genetics (formerly Invitae), Labcorp); PubMed 34755279 (cited by Labcorp Genetics (formerly Invitae), Labcorp and Women's Health and Genetics/Laboratory Corporation of America, LabCorp); PubMed 36380532 (cited by Labcorp Genetics (formerly Invitae), Labcorp and Women's Health and Genetics/Laboratory Corporation of America, LabCorp); PubMed 37981684 (cited by Women's Health and Genetics/Laboratory Corporation of America, LabCorp).